The following is an entry in ClinVar:

ClinVar aggregate classification (germline): Conflicting classifications of pathogenicity. Review status: criteria provided, conflicting classifications (1 of 4 stars). 6 submissions from 6 submitters: Uncertain significance (5); Likely benign (1). Last evaluated 2026-01-23.

Conditions:
Developmental delay with autism spectrum disorder and gait instability (MRT38). Also called: Intellectual developmental disorder, autosomal recessive 38. Identifiers: Orphanet 329195, MedGen C3809753, MONDO:0014224, OMIM 615516.

Allele frequency attached by ClinVar (database versions not stated): 1000 Genomes Project 30x 0.00016; 1000 Genomes Project 0.00020; gnomAD exomes 0.00087 and 0.00209; ExAC 0.00104; gnomAD 0.00119 and 0.00123; ESP Exome Variant Server 0.00123; TOPMed 0.00123.
gnomAD v4.1: 3,245 of 1,612,686 alleles (0.2%); highest among the groups gnomAD compares: Non-Finnish European, 0.26%; 6 homozygotes.

Submissions (6):

GeneDx
Classification: Uncertain significance. Last evaluated: 2026-01-23. Review status: criteria provided, single submitter. Criteria: GeneDx Variant Classification Process June 2021. Collection method: clinical testing. Allele origin: germline. Affected: yes.
Comment: Has not been previously published as pathogenic or benign to our knowledge; In silico analysis suggests that this missense variant does not alter protein structure/function

Blueprint Genetics
Classification: Likely benign. Last evaluated: 2024-10-30. Review status: criteria provided, single submitter. Criteria: ACMG Guidelines, 2015. Collection method: clinical testing. Allele origin: germline.

CeGaT Center for Human Genetics Tuebingen
Classification: Uncertain significance. Last evaluated: 2023-11-01. Review status: criteria provided, single submitter. Criteria: CeGaT Center For Human Genetics Tuebingen Variant Classification Criteria Version 2. Collection method: clinical testing. Allele origin: germline. Affected: yes. Observed: 2 variant alleles.

Revvity Omics, Revvity
Classification: Uncertain significance. Last evaluated: 2022-02-23. Review status: criteria provided, single submitter. Criteria: ACMG Guidelines, 2015. Collection method: clinical testing. Allele origin: germline.

Baylor Genetics
Classification: Uncertain significance for Developmental delay with autism spectrum disorder and gait instability. Last evaluated: 2018-04-10. Review status: criteria provided, single submitter. Criteria: ACMG Guidelines, 2015. Collection method: clinical testing. Allele origin: unknown. Affected: yes.
Comment: This variant was determined to be of uncertain significance according to ACMG Guidelines, 2015 [PMID:25741868].

Breakthrough Genomics
Classification: Uncertain significance. Review status: criteria provided, single submitter. Criteria: ACMG Guidelines, 2015. Collection method: not provided. Allele origin: germline. Inheritance: Autosomal recessive inheritance. Affected: yes.

NM_004667.6(HERC2):c.1012T>G (p.Leu338Val)

Gene: HERC2 (HECT and RLD domain containing E3 ubiquitin protein ligase 2; minus strand). Cytogenetic location: 15q13.1.
Variant type: single nucleotide variant.
Coding change: c.1012T>G on transcript NM_004667.6 (MANE Select); coding-DNA position 1012, T replaced by G.
Protein change: p.Leu338Val; replaces leucine 338 with valine.
Molecular consequence: missense variant.
Genome position (GRCh38, 1-based): chr15:28,272,286, A>C on the plus strand (T>G on the coding strand, the complement: HERC2 is on the minus strand). VCF-style: chr15-28272286-A-C. GRCh37 (hg19) VCF-style: chr15-28517432-A-C.
Other names: short protein forms L338V.
Identifiers: ClinVar variation 449032 (VCV000449032.38), dbSNP rs61754656, ClinGen allele CA267947250.